The following is an entry in ClinVar:

NM_001256007.3(PNPLA8):c.1025A>C (p.Glu342Ala)

Gene: PNPLA8 (patatin like domain 8, phospholipase A2; minus strand). Cytogenetic location: 7q31.1.
Variant type: single nucleotide variant.
Coding change: c.1025A>C on transcript NM_001256007.3 (MANE Select); coding-DNA position 1025, A replaced by C.
Protein change: p.Glu342Ala; replaces glutamic acid 342 with alanine.
Molecular consequence: missense variant.
Genome position (GRCh38, 1-based): chr7:108,514,467, T>G on the plus strand (A>C on the coding strand, the complement: PNPLA8 is on the minus strand). VCF-style: chr7-108514467-T-G. GRCh37 (hg19) VCF-style: chr7-108154911-T-G.
Other names: c.1025A>C, p.Glu342Ala (NM_001256008.3, NM_001256009.3, NM_015723.5); c.725A>C, p.Glu242Ala (NM_001256010.3, NM_001256011.3); c.1025A>C (NM_015723.2); short protein forms E242A, E342A.
Identifiers: ClinVar variation 1410338 (VCV001410338.7), dbSNP rs138887728, ClinGen allele CA4439710.

ClinVar aggregate classification (germline): Uncertain significance. Review status: criteria provided, multiple submitters, no conflicts (2 of 4 stars). 2 submissions from 2 submitters: Uncertain significance (2). Last evaluated 2026-06-23.

Conditions:
Inborn genetic diseases. Identifiers: MedGen C0950123, MeSH D030342.

Allele frequency attached by ClinVar (database versions not stated): ESP Exome Variant Server 0.00023.
gnomAD v4.1: 36 of 1,612,126 alleles (0.0022%); highest among the groups gnomAD compares: African/African-American, 0.045%; no homozygotes.

Submissions (2):

Ambry Genetics
Classification: Uncertain significance for Inborn genetic diseases. Last evaluated: 2026-06-23. Review status: criteria provided, single submitter. Criteria: Ambry Variant Classification Scheme 2023. Collection method: clinical testing. Allele origin: germline.
Comment: The c.1025A>C (p.E342A) alteration is located in exon 4 (coding exon 1) of the PNPLA8 gene. This alteration results from a A to C substitution at nucleotide position 1025, causing the glutamic acid (E) at amino acid position 342 to be replaced by an alanine (A). Based on data from gnomAD, the C allele has an overall frequency of 0.001% (2/280646) total alleles studied. The highest observed frequency was 0.008% (2/24914) of African alleles. Based on insufficient or conflicting evidence, the clinical significance of this alteration remains unclear.

Labcorp Genetics (formerly Invitae), Labcorp
Classification: Uncertain significance. Last evaluated: 2022-05-12. Review status: criteria provided, single submitter. Criteria: Invitae Variant Classification Sherloc (09022015). Collection method: clinical testing. Allele origin: germline.
Comment: Algorithms developed to predict the effect of missense changes on protein structure and function are either unavailable or do not agree on the potential impact of this missense change (SIFT: "Deleterious"; PolyPhen-2: "Benign"; Align-GVGD: "Class C0"). In summary, the available evidence is currently insufficient to determine the role of this variant in disease. Therefore, it has been classified as a Variant of Uncertain Significance. This variant has not been reported in the literature in individuals affected with PNPLA8-related conditions. This sequence change replaces glutamic acid, which is acidic and polar, with alanine, which is neutral and non-polar, at codon 342 of the PNPLA8 protein (p.Glu342Ala). The frequency data for this variant in the population databases is considered unreliable, as metrics indicate poor data quality at this position in the gnomAD database.